The following is an entry in ClinVar:

NM_001278689.2(EOGT):c.1411C>T (p.Gln471Ter)

Gene: EOGT (EGF domain specific O-linked N-acetylglucosamine transferase; minus strand). Cytogenetic location: 3p14.1.
Variant type: single nucleotide variant.
Coding change: c.1411C>T on transcript NM_001278689.2 (MANE Select); coding-DNA position 1411, C replaced by T.
Protein change: p.Gln471Ter; replaces glutamine 471 with a stop codon.
Molecular consequence: nonsense. On other transcripts: non-coding transcript variant (1).
Genome position (GRCh38, 1-based): chr3:68,978,359, G>A on the plus strand (C>T on the coding strand, the complement: EOGT is on the minus strand). VCF-style: chr3-68978359-G-A. GRCh37 (hg19) VCF-style: chr3-69027510-G-A.
Other names: c.1159C>T, p.Gln387Ter (NM_173654.3); short protein forms Q471*, Q387*.
Identifiers: ClinVar variation 1386378 (VCV001386378.6), dbSNP rs777402465, ClinGen allele CA2486603.

ClinVar aggregate classification (germline): Uncertain significance (1 of 4 stars; one submission).

Conditions:
Adams-Oliver syndrome 4 (AOS4). Identifiers: Orphanet 974, MedGen C3809092, MONDO:0014124, OMIM 615297.

Allele frequency attached by ClinVar (database versions not stated): gnomAD exomes below 0.00001 and 0.00002; ExAC 0.00002.
gnomAD v4.1: 6 of 1,612,434 alleles (0.00037%); highest among the groups gnomAD compares: East Asian, 0.011%; no homozygotes.

Submission:

Labcorp Genetics (formerly Invitae), Labcorp
Classification: Uncertain significance for Adams-Oliver syndrome 4. Last evaluated: 2021-10-12. Review status: criteria provided, single submitter. Criteria: Invitae Variant Classification Sherloc (09022015). Collection method: clinical testing. Allele origin: germline.
Comment: In summary, the available evidence is currently insufficient to determine the role of this variant in disease. Therefore, it has been classified as a Variant of Uncertain Significance. This sequence change creates a premature translational stop signal (p.Gln387*) in the EOGT gene. While this is not anticipated to result in nonsense mediated decay, it is expected to disrupt the last 57 amino acid(s) of the EOGT protein. This variant is present in population databases (rs777402465, ExAC 0.02%). This variant has not been reported in the literature in individuals affected with EOGT-related conditions. Algorithms developed to predict the effect of sequence changes on RNA splicing suggest that this variant may create or strengthen a splice site.